The following is an entry in ClinVar:

NM_198525.3(KIF7):c.1066A>G (p.Asn356Asp)

Gene: KIF7 (kinesin family member 7; minus strand). Cytogenetic location: 15q26.1.
Variant type: single nucleotide variant.
Coding change: c.1066A>G on transcript NM_198525.3 (MANE Select); coding-DNA position 1066, A replaced by G.
Protein change: p.Asn356Asp; replaces asparagine 356 with aspartic acid.
Molecular consequence: missense variant.
Genome position (GRCh38, 1-based): chr15:89,648,632, T>C on the plus strand (A>G on the coding strand, the complement: KIF7 is on the minus strand). VCF-style: chr15-89648632-T-C. GRCh37 (hg19) VCF-style: chr15-90191863-T-C.
Other names: short protein forms N356D.
Identifiers: ClinVar variation 1952125 (VCV001952125.5), dbSNP rs1255141600, ClinGen allele CA393772778.
Genomic context (GRCh38, chr15:89,648,632, plus strand): 5'-GCGGACCCCGCGCGCCGCTCGCCGTCTCTTCGGGTGGCCGCTCGGCCTCGGGCCGCCAGT[T>C]GACCGTGGCGCGGTTGCGGATGTTCTGGGCGCGGCTGGCGTAGTTGAGGGTGTTGAGGGT-3'
Protein context (NP_940927.2, residues 346-366): AQNIRNRATV[Asn356Asp]WRPEAERPPE

ClinVar aggregate classification (germline): Uncertain significance (1 of 4 stars; one submission).

Conditions:
Acrocallosal syndrome (ACLS). Also called: Schinzel syndrome 1; Absence of corpus callosum with unusual facial appearance, mental deficiency, duplication of the halluces and polydactyly; HALLUX DUPLICATION, POSTAXIAL POLYDACTYLY, AND ABSENCE OF CORPUS CALLOSUM. Identifiers: Orphanet 36, MedGen C0796147, MONDO:0008708, OMIM 200990.

Allele frequency attached by ClinVar (database versions not stated): gnomAD exomes below 0.00001.
gnomAD v4.1: 2 of 1,535,244 alleles (0.00013%); highest among the groups gnomAD compares: Non-Finnish European, 0.00017%; no homozygotes.

Submission:

Labcorp Genetics (formerly Invitae), Labcorp
Classification: Uncertain significance for Acrocallosal syndrome. Last evaluated: 2025-05-29. Review status: criteria provided, single submitter. Criteria: Invitae Variant Classification Sherloc (09022015). Collection method: clinical testing. Allele origin: germline.
Comment: This sequence change replaces asparagine, which is neutral and polar, with aspartic acid, which is acidic and polar, at codon 356 of the KIF7 protein (p.Asn356Asp). This variant is not present in population databases (gnomAD no frequency). This variant has not been reported in the literature in individuals affected with KIF7-related conditions. ClinVar contains an entry for this variant (Variation ID: 1952125). Invitae Evidence Modeling of protein sequence and biophysical properties (such as structural, functional, and spatial information, amino acid conservation, physicochemical variation, residue mobility, and thermodynamic stability) indicates that this missense variant is expected to disrupt KIF7 protein function with a positive predictive value of 80%. In summary, the available evidence is currently insufficient to determine the role of this variant in disease. Therefore, it has been classified as a Variant of Uncertain Significance.